The following is an entry in ClinVar:

ClinVar aggregate classification (germline): Uncertain significance. Review status: criteria provided, multiple submitters, no conflicts (2 of 4 stars). 5 submissions from 5 submitters: Uncertain significance (4). 1 of the submissions does not count toward it. Last evaluated 2025-06-27.

Conditions:
Hereditary cancer-predisposing syndrome. Also called: Tumor predisposition; Hereditary neoplastic syndrome; Hereditary Cancer Syndrome; Neoplastic Syndromes, Hereditary. Identifiers: Orphanet 140162, MedGen C0027672, MeSH D009386, MONDO:0015356.
Hereditary breast ovarian cancer syndrome. Also called: Hereditary breast and/or ovarian cancer syndrome; Breast and ovarian cancer; Hereditary breast and ovarian cancer syndrome; Hereditary breast and ovarian cancer; Hereditary breast and ovarian cancer syndrome (HBOC); BRCA1- and BRCA2-Associated Hereditary Breast and Ovarian Cancer. Identifiers: Orphanet 145, MedGen C0677776, MeSH D061325, MONDO:0003582. Disease mechanism: loss of function.
Breast-ovarian cancer, familial, susceptibility to, 1 (BROVCA1). Also called: BRCA1 Hereditary Breast and Ovarian Cancer; OVARIAN CANCER, SUSCEPTIBILITY TO. Identifiers: Orphanet 145, MedGen C2676676, MONDO:0011450, OMIM 604370. Disease mechanism: loss of function.

Allele frequency attached by ClinVar (database versions not stated): gnomAD exomes below 0.00001.
gnomAD v4.1: 7 of 1,611,702 alleles (0.00043%); highest among the groups gnomAD compares: Non-Finnish European, 0.00051%; no homozygotes.

Submissions (5):

Labcorp Genetics (formerly Invitae), Labcorp
Classification: Uncertain significance for Hereditary breast ovarian cancer syndrome. Last evaluated: 2025-06-27. Review status: criteria provided, single submitter. Criteria: Invitae Variant Classification Sherloc (09022015). Collection method: clinical testing. Allele origin: germline.
Comment: This sequence change falls in intron 7 of the BRCA1 gene. It does not directly change the encoded amino acid sequence of the BRCA1 protein. This variant is not present in population databases (gnomAD no frequency). This variant has not been reported in the literature in individuals affected with BRCA1-related conditions. ClinVar contains an entry for this variant (Variation ID: 125892). Algorithms developed to predict the effect of sequence changes on RNA splicing suggest that this variant may disrupt the consensus splice site. In summary, the available evidence is currently insufficient to determine the role of this variant in disease. Therefore, it has been classified as a Variant of Uncertain Significance.

Baylor Genetics
Classification: Uncertain significance for Breast-ovarian cancer, familial, susceptibility to, 1. Last evaluated: 2024-01-22. Review status: criteria provided, single submitter. Criteria: ACMG Guidelines, 2015. Collection method: clinical testing. Allele origin: unknown.

Color Diagnostics, LLC DBA Color Health
Classification: Uncertain significance for Hereditary cancer-predisposing syndrome. Last evaluated: 2023-08-29. Review status: criteria provided, single submitter. Criteria: ACMG Guidelines, 2015. Collection method: clinical testing. Allele origin: germline.
Comment: This variant causes an A to G nucleotide substitution at the -9 position of intron 7 of the BRCA1 gene. Splice site prediction tools predict that this variant may have a significant impact on RNA splicing. Although this prediction has not been confirmed in published RNA studies, this variant is expected to result in an absent or disrupted protein product. To our knowledge, functional studies have not been reported for this variant. This variant has not been reported in individuals affected with hereditary cancer in the literature. This variant has not been identified in the general population by the Genome Aggregation Database (gnomAD). The available evidence is insufficient to determine the role of this variant in disease conclusively. Therefore, this variant is classified as a Variant of Uncertain Significance.

Quest Diagnostics Nichols Institute San Juan Capistrano
Classification: Uncertain significance. Last evaluated: 2023-08-16. Review status: criteria provided, single submitter. Criteria: Quest Diagnostics criteria. Collection method: clinical testing. Allele origin: unknown.
Comment: To the best of our knowledge, this variant has not been reported in the published literature. It also has not been reported in large, multi-ethnic general populations (Genome Aggregation Database). Analysis of this variant using software algorithms for the prediction of the effect of nucleotide changes on splicing yielded predictions that this variant does not affect BRCA1 mRNA splicing . Based on the available information, we are unable to determine the clinical significance of this variant.

Breast Cancer Information Core (BIC) (BRCA1)
Classification: Uncertain significance for Breast-ovarian cancer, familial 1. Last evaluated: 2004-02-20. Review status: no assertion criteria provided. Collection method: clinical testing. Allele origin: germline. Affected: yes. Observed: 1 variant allele. Not counted in ClinVar's aggregate classification.

NM_007294.4(BRCA1):c.548-9A>G

Gene: BRCA1 (BRCA1 DNA repair associated; minus strand). Cytogenetic location: 17q21.31.
Variant type: single nucleotide variant.
Coding change: c.548-9A>G on transcript NM_007294.4 (MANE Select); 9 bases into the intron before coding-DNA position 548, A replaced by G.
Molecular consequence: intron variant.
Genome position (GRCh38, 1-based): chr17:43,097,298, T>C on the plus strand (A>G on the coding strand, the complement: BRCA1 is on the minus strand). VCF-style: chr17-43097298-T-C. GRCh37 (hg19) VCF-style: chr17-41249315-T-C.
Other names: IVS8-9A>G; c.548-9A>G (NM_007294.3, NM_001407980.1, NM_001407993.1 and 59 more transcripts); c.407-9A>G (NM_001408458.1, NM_001408469.1, NM_001408453.1 and 43 more transcripts); c.-218-2438A>G (NM_001407967.1, NM_001407966.1); c.167-9A>G (NM_001407959.1, NM_001408510.1, NM_001407963.1 and 1 more transcripts); c.404-2438A>G (NM_001407931.1, NM_001407932.1, NM_001408503.1 and 5 more transcripts); c.404-9A>G (NM_001407747.1, NM_001408470.1, NM_001407848.1 and 26 more transcripts); c.164-9A>G (NM_001407962.1); and 18 more.
Identifiers: ClinVar variation 125892 (VCV000125892.12), dbSNP rs80358052, ClinGen allele CA003658.